The following is an entry in ClinVar:

NM_001379610.1(SPINK1):c.125T>C (p.Ile42Thr)

Gene: SPINK1 (serine peptidase inhibitor Kazal type 1; minus strand). Cytogenetic location: 5q32.
Variant type: single nucleotide variant.
Coding change: c.125T>C on transcript NM_001379610.1 (MANE Select); coding-DNA position 125, T replaced by C.
Protein change: p.Ile42Thr; replaces isoleucine 42 with threonine.
Molecular consequence: missense variant.
Genome position (GRCh38, 1-based): chr5:147,828,091, A>G on the plus strand (T>C on the coding strand, the complement: SPINK1 is on the minus strand). VCF-style: chr5-147828091-A-G. GRCh37 (hg19) VCF-style: chr5-147207654-A-G.
Other names: c.125T>C, p.Ile42Thr (NM_001354966.2, NM_003122.5); short protein forms I42T.
Identifiers: ClinVar variation 3322239 (VCV003322239.1).

ClinVar aggregate classification (germline): Uncertain significance (1 of 4 stars; one submission).

Conditions:
Hereditary pancreatitis (PCTT). Also called: PRSS1-Related Hereditary Pancreatitis; Hereditary chronic pancreatitis. Identifiers: Orphanet 676, MedGen C0238339, MONDO:0008185, OMIM 167800.

gnomAD v4.1: 4 of 1,613,552 alleles (0.00025%); highest among the groups gnomAD compares: Non-Finnish European, 0.00034%; no homozygotes.

Submission:

Ambry Genetics
Classification: Uncertain significance for Hereditary pancreatitis. Last evaluated: 2024-03-27. Review status: criteria provided, single submitter. Criteria: Ambry Variant Classification Scheme 2023. Collection method: clinical testing. Allele origin: germline.
Comment: The p.I42T variant (also known as c.125T>C), located in coding exon 3 of the SPINK1 gene, results from a T to C substitution at nucleotide position 125. The isoleucine at codon 42 is replaced by threonine, an amino acid with similar properties. This amino acid position is not well conserved in available vertebrate species. In addition, this alteration is predicted to be tolerated by in silico analysis. Based on the available evidence, the clinical significance of this alteration remains unclear.